The following is an entry in ClinVar:

ClinVar aggregate classification (germline): Likely benign (1 of 4 stars; one submission).

Allele frequency attached by ClinVar (database versions not stated): TOPMed 0.00004; ExAC 0.00005; gnomAD 0.00006; ESP Exome Variant Server 0.00008.
gnomAD v4.1: 122 of 1,614,048 alleles (0.0076%); highest among the groups gnomAD compares: Non-Finnish European, 0.01%; no homozygotes.

Submission:

CeGaT Center for Human Genetics Tuebingen
Classification: Likely benign. Last evaluated: 2025-02-01. Review status: criteria provided, single submitter. Criteria: CeGaT Center For Human Genetics Tuebingen Variant Classification Criteria Version 2. Collection method: clinical testing. Allele origin: germline. Affected: yes. Observed: 2 variant alleles.
Comment: FMN2: BP4, BP7

NM_020066.5(FMN2):c.2112G>C (p.Val704=)

Gene: FMN2 (formin 2; plus strand). Cytogenetic location: 1q43.
Variant type: single nucleotide variant.
Coding change: c.2112G>C on transcript NM_020066.5 (MANE Select); coding-DNA position 2112, G replaced by C.
Protein change: p.Val704=; no amino-acid change (valine 704 retained).
Molecular consequence: synonymous variant. On other transcripts: intron variant (1).
Genome position (GRCh38, 1-based): chr1:240,206,924, G>C. VCF-style: chr1-240206924-G-C. GRCh37 (hg19) VCF-style: chr1-240370224-G-C.
Other names: c.2124G>C, p.Val708= (NM_001305424.2); c.1986+18662G>C (NM_001348094.2).
Identifiers: ClinVar variation 3025495 (VCV003025495.22), dbSNP rs137903301, ClinGen allele CA1476537.
Genomic context (GRCh38, chr1:240,206,924, plus strand): 5'-GGATCTGAGAACCAAAATAGCTGAACTAGAGAGGCAGTATCCTGCCCTGGACACAGAGGT[G>C]GCCAGTGGTCATCAAGGGCTTGAGAATGGAGTGACAGCCTCAGGCGATGTCTGTCTCGAA-3'
Protein context (NP_064450.3, residues 694-714): ERQYPALDTE[Val704=]ASGHQGLENG